The following is an entry in ClinVar:

ClinVar aggregate classification (germline): Uncertain significance (1 of 4 stars; one submission).

Submission:

Labcorp Genetics (formerly Invitae), Labcorp
Classification: Uncertain significance. Last evaluated: 2022-11-01. Review status: criteria provided, single submitter. Criteria: Invitae Variant Classification Sherloc (09022015). Collection method: clinical testing. Allele origin: germline.
Comment: In summary, the available evidence is currently insufficient to determine the role of this variant in disease. Therefore, it has been classified as a Variant of Uncertain Significance. Experimental studies and prediction algorithms are not available or were not evaluated, and the functional significance of this variant is currently unknown. This variant has not been reported in the literature in individuals affected with ACVR1-related conditions. This variant is not present in population databases (gnomAD no frequency). This sequence change creates a premature translational stop signal (p.Pro482Hisfs*11) in the ACVR1 gene. While this is not anticipated to result in nonsense mediated decay, it is expected to disrupt the last 28 amino acid(s) of the ACVR1 protein.

NM_001111067.4(ACVR1):c.1445_*204del (p.Pro482fs)

Gene: ACVR1 (activin A receptor type 1; minus strand). Cytogenetic location: 2q24.1.
Variant type: Deletion.
Coding change: c.1445_*204del on transcript NM_001111067.4 (MANE Select); coding-DNA position 1445 through 204 bases downstream of the stop codon, 290 bases deleted.
Protein change: p.Pro482fs; shifts the reading frame from proline 482.
Molecular consequence: frameshift variant.
Genome position (GRCh38, 1-based): chr2:157,737,327-157,737,616, 290 bases deleted. GRCh37 (hg19): chr2:158,593,840-158,594,129.
Other names: c.1445_*204del, p.Pro482fs (NM_001105.5, NM_001347663.1, NM_001347664.1 and 3 more transcripts); short protein forms P482fs.
Identifiers: ClinVar variation 2014558 (VCV002014558.4), dbSNP rs2467862156, ClinGen allele CA2580064111.